The following is an entry in ClinVar:

ClinVar aggregate classification (germline): Conflicting classifications of pathogenicity. Review status: criteria provided, conflicting classifications (1 of 4 stars). 7 submissions from 7 submitters: Uncertain significance (3); Likely benign (2). 2 of the submissions do not count toward it. Last evaluated 2025-11-03.

Conditions:
TTN-related disorder. Also called: TTN-related condition; TTN-related disease; TTN-related disorders.
Cardiovascular phenotype. Identifiers: MedGen CN230736.

Allele frequency attached by ClinVar (database versions not stated): gnomAD 0.00008 and 0.00009; TOPMed 0.00010.
gnomAD v4.1: 30 of 1,613,678 alleles (0.0019%); highest among the groups gnomAD compares: African/African-American, 0.025%; no homozygotes.

Submissions (7):

PreventionGenetics, part of Exact Sciences
Classification: Uncertain significance for TTN-related condition. Last evaluated: 2025-11-03. Review status: criteria provided, single submitter. Criteria: ACMG Guidelines, 2015. Collection method: clinical testing. Allele origin: germline.
Comment: The TTN c.13340C>T variant is predicted to result in the amino acid substitution p.Ser4447Leu. To our knowledge, this variant has not been reported in the literature. This variant is reported in 0.021% of alleles in individuals of African descent in gnomAD. At this time, the clinical significance of this variant is uncertain due to the absence of conclusive functional and genetic evidence.

Mayo Clinic Laboratories, Mayo Clinic
Classification: Uncertain significance. Last evaluated: 2022-06-30. Review status: criteria provided, single submitter. Criteria: ACMG Guidelines, 2015. Collection method: clinical testing. Allele origin: germline. Observed: 1 variant allele.
Comment: BP4

GeneDx
Classification: Likely benign. Last evaluated: 2020-10-26. Review status: criteria provided, single submitter. Criteria: GeneDx Variant Classification Process June 2021. Collection method: clinical testing. Allele origin: germline. Affected: yes.

Ambry Genetics
Classification: Likely benign for Cardiovascular phenotype. Last evaluated: 2020-03-17. Review status: criteria provided, single submitter. Criteria: Ambry Variant Classification Scheme 2023. Collection method: clinical testing. Allele origin: germline.

Eurofins Ntd Llc (ga)
Classification: Uncertain significance. Last evaluated: 2017-02-27. Review status: criteria provided, single submitter. Criteria: EGL Classification Definitions 2015. Collection method: clinical testing. Allele origin: germline. Observed: 1 variant allele, 1 heterozygote.

Clinical Genetics, Academic Medical Center
Classification: Uncertain significance. Review status: no assertion criteria provided. Collection method: clinical testing. Allele origin: germline. Affected: yes. Study: VKGL Data-share Consensus. Not counted in ClinVar's aggregate classification.

Laboratory of Diagnostic Genome Analysis, Leiden University Medical Center (LUMC)
Classification: Uncertain significance. Review status: no assertion criteria provided. Collection method: clinical testing. Allele origin: germline. Affected: yes. Study: VKGL Data-share Consensus. Not counted in ClinVar's aggregate classification.

NM_001267550.2(TTN):c.13340C>T (p.Ser4447Leu)

Gene: TTN (titin; minus strand). Cytogenetic location: 2q31.2.
Variant type: single nucleotide variant.
Coding change: c.13340C>T on transcript NM_001267550.2 (MANE Select); coding-DNA position 13340, C replaced by T.
Protein change: p.Ser4447Leu; replaces serine 4447 with leucine.
Molecular consequence: missense variant. On other transcripts: intron variant (1).
Genome position (GRCh38, 1-based): chr2:178,739,893, G>A on the plus strand (C>T on the coding strand, the complement: TTN is on the minus strand). VCF-style: chr2-178739893-G-A. GRCh37 (hg19) VCF-style: chr2-179604620-G-A.
Other names: p.Ser4130Leu; c.12389C>T, p.Ser4130Leu (NM_001256850.1); c.12251C>T, p.Ser4084Leu (NM_003319.4); c.12626C>T, p.Ser4209Leu (NM_133432.3); c.12827C>T, p.Ser4276Leu (NM_133437.4); c.10361-1533C>T (NM_133378.4); short protein forms S4130L, S4447L, S4209L, S4084L, S4276L.
Identifiers: ClinVar variation 500481 (VCV000500481.14), dbSNP rs777547090, ClinGen allele CA2002595.